The following is an entry in ClinVar:

ClinVar aggregate classification (germline): Uncertain significance (1 of 4 stars; one submission).

Conditions:
Hereditary cancer-predisposing syndrome. Also called: Neoplastic Syndromes, Hereditary; Tumor predisposition; Hereditary Cancer Syndrome; Hereditary neoplastic syndrome. Identifiers: Orphanet 140162, MedGen C0027672, MeSH D009386, MONDO:0015356.

Submission:

Ambry Genetics
Classification: Uncertain significance for Hereditary cancer-predisposing syndrome. Last evaluated: 2026-03-21. Review status: criteria provided, single submitter. Criteria: Ambry Variant Classification Scheme 2023. Collection method: clinical testing. Allele origin: germline.
Comment: The p.F1132L variant (also known as c.3396T>A), located in coding exon 19 of the BRIP1 gene, results from a T to A substitution at nucleotide position 3396. The phenylalanine at codon 1132 is replaced by leucine, an amino acid with highly similar properties. This amino acid position is conserved. In addition, this alteration is predicted to be tolerated by in silico analysis. Based on the available evidence, the clinical significance of this variant remains unclear.

NM_032043.3(BRIP1):c.3396T>A (p.Phe1132Leu)

Gene: BRIP1 (BRCA1 interacting DNA helicase 1; minus strand). Cytogenetic location: 17q23.2.
Variant type: single nucleotide variant.
Coding change: c.3396T>A on transcript NM_032043.3 (MANE Select); coding-DNA position 3396, T replaced by A.
Protein change: p.Phe1132Leu; replaces phenylalanine 1132 with leucine.
Molecular consequence: missense variant.
Genome position (GRCh38, 1-based): chr17:61,683,650, A>T on the plus strand (T>A on the coding strand, the complement: BRIP1 is on the minus strand). VCF-style: chr17-61683650-A-T. GRCh37 (hg19) VCF-style: chr17-59761011-A-T.
Other names: short protein forms F1132L.
Identifiers: ClinVar variation 4867904 (VCV004867904.1).
Genomic context (GRCh38, chr17:61,683,650, plus strand): 5'-AGTTTCAGCTAGGTCATTTTTTTCTTCATCTGTATCTTCAGGATCATAAAGTTCAGGTGT[A>T]AAATAGATAGATTCATCTTCTGCTTCTGTTTCAAAATCTCTATTTGAAGTGGACTGTTTA-3'
Protein context (NP_114432.2, residues 1122-1142): ETEAEDESIY[Phe1132Leu]TPELYDPEDT